The following is an entry in ClinVar:

ClinVar aggregate classification (germline): Benign (1 of 4 stars; one submission).

Conditions:
Fatal mitochondrial disease due to combined oxidative phosphorylation defect type 3. Also called: Combined oxidative phosphorylation deficiency 3; ENCEPHALOMYOPATHY, RESPIRATORY FAILURE, AND LACTIC ACIDOSIS. Identifiers: Orphanet 168566, MedGen C1864840, MONDO:0012512, OMIM 610505.

Allele frequency attached by ClinVar (database versions not stated): gnomAD exomes 0.00043; gnomAD 0.00756 and 0.00812; 1000 Genomes Project 0.00799; TOPMed 0.00857; 1000 Genomes Project 30x 0.00859.
gnomAD v4.1: 1,486 of 933,042 alleles (0.16%); highest among the groups gnomAD compares: African/African-American, 2.5%; 18 homozygotes.

Submission:

Illumina Laboratory Services, Illumina
Classification: Benign for Fatal mitochondrial disease due to combined oxidative phosphorylation defect type 3. Last evaluated: 2018-01-12. Review status: criteria provided, single submitter. Criteria: ICSL Variant Classification Criteria 13 December 2019. Collection method: clinical testing. Allele origin: germline.
Comment: This variant was observed in the ICSL laboratory as part of a predisposition screen in an ostensibly healthy population. It had not been previously curated by ICSL or reported in the Human Gene Mutation Database (HGMD: prior to June 1st, 2018), and was therefore a candidate for classification through an automated scoring system. Utilizing variant allele frequency, disease prevalence and penetrance estimates, and inheritance mode, an automated score was calculated to assess if this variant is too frequent to cause the disease. Based on the score and internal cut-off values, a variant classified as benign is not then subjected to further curation. The score for this variant resulted in a classification of benign for this disease.

NM_005726.6(TSFM):c.*958C>G

Genes: AVIL (advillin; minus strand), TSFM (Ts translation elongation factor, mitochondrial; plus strand). Cytogenetic location: 12q14.1.
Variant type: single nucleotide variant.
Coding change: c.*958C>G on transcript NM_005726.6 (MANE Select); 958 bases downstream of the stop codon, C replaced by G.
Molecular consequence: 3 prime UTR variant. On other transcripts: intron variant (1).
Genome position (GRCh38, 1-based): chr12:57,797,541, C>G. VCF-style: chr12-57797541-C-G. GRCh37 (hg19) VCF-style: chr12-58191324-C-G.
Other names: c.*1344C>G (NM_001172695.2); c.*958C>G (NM_001172696.2); c.*341G>C (NM_006576.4); c.571+4468C>G (NM_001172697.2).
Identifiers: ClinVar variation 310029 (VCV000310029.5), dbSNP rs57561819, ClinGen allele CA10643085.